The following is an entry in ClinVar:

ClinVar aggregate classification (germline): Uncertain significance (1 of 4 stars; one submission).

Submission:

CeGaT Center for Human Genetics Tuebingen
Classification: Uncertain significance. Last evaluated: 2025-09-01. Review status: criteria provided, single submitter. Criteria: CeGaT Center For Human Genetics Tuebingen Variant Classification Criteria Version 2. Collection method: clinical testing. Allele origin: germline. Affected: yes. Observed: 1 variant allele.
Comment: ZMYND8: PM2, PP2

NM_001281775.3(ZMYND8):c.845C>T (p.Ala282Val)

Gene: ZMYND8 (zinc finger MYND-type containing 8; minus strand). Cytogenetic location: 20q13.12.
Variant type: single nucleotide variant.
Coding change: c.845C>T on transcript NM_001281775.3 (MANE Select); coding-DNA position 845, C replaced by T.
Protein change: p.Ala282Val; replaces alanine 282 with valine.
Molecular consequence: missense variant.
Genome position (GRCh38, 1-based): chr20:47,283,608, G>A on the plus strand (C>T on the coding strand, the complement: ZMYND8 is on the minus strand). VCF-style: chr20-47283608-G-A. GRCh37 (hg19) VCF-style: chr20-45912352-G-A.
Other names: c.770C>T, p.Ala257Val (NM_001281771.3, NM_001281777.3, NM_001281778.3 and 4 more transcripts); c.785C>T, p.Ala262Val (NM_001281772.3, NM_001281773.3, NM_001281774.3 and 1 more transcripts); c.845C>T, p.Ala282Val (NM_001281776.3, NM_001281783.3, NM_012408.6 and 1 more transcripts); c.41C>T, p.Ala14Val (NM_001281779.3, NM_001281780.3); c.866C>T, p.Ala289Val (NM_001363714.1); short protein forms A14V, A257V, A262V, A282V, A289V.
Identifiers: ClinVar variation 4281407 (VCV004281407.7).